The following is an entry in ClinVar:

NM_001329943.3(KIAA0586):c.620T>C (p.Val207Ala)

Gene: KIAA0586 (KIAA0586; plus strand). Cytogenetic location: 14q23.1.
Variant type: single nucleotide variant.
Coding change: c.620T>C on transcript NM_001329943.3 (MANE Select); coding-DNA position 620, T replaced by C.
Protein change: p.Val207Ala; replaces valine 207 with alanine.
Molecular consequence: missense variant.
Genome position (GRCh38, 1-based): chr14:58,443,988, T>C. VCF-style: chr14-58443988-T-C. GRCh37 (hg19) VCF-style: chr14-58910706-T-C.
Other names: c.779T>C, p.Val260Ala (NM_001244189.2); c.575T>C, p.Val192Ala (NM_001244190.2); c.365T>C, p.Val122Ala (NM_001244191.2, NM_001329945.2, NM_001364700.1 and 1 more transcripts); c.488T>C, p.Val163Ala (NM_001244192.2); c.200T>C, p.Val67Ala (NM_001244193.2); c.620T>C, p.Val207Ala (NM_001329944.2, NM_001329946.2, NM_001329947.2 and 1 more transcripts); c.620T>C (NM_014749.3); short protein forms V122A, V163A, V192A, V260A, V67A, V207A.
Identifiers: ClinVar variation 1448046 (VCV001448046.5), dbSNP rs199837404, ClinGen allele CA7205440.
Genomic context (GRCh38, chr14:58,443,988, plus strand): 5'-TTTTAAAAATGTTTTTATTGTTTTAGGTGCAGAGTGATTTGGAAGCAAAAGTCAATTCTG[T>C]TACAGAATTACTTAGTAAATTACAGGAGACTGATAAACACCTGCAACGTGTTACAGAGCA-3'
Protein context (NP_001316872.1, residues 197-217): QSDLEAKVNS[Val207Ala]TELLSKLQET

ClinVar aggregate classification (germline): Uncertain significance. Review status: criteria provided, multiple submitters, no conflicts (2 of 4 stars). 2 submissions from 2 submitters: Uncertain significance (2). Last evaluated 2023-08-22.

Conditions:
Inborn genetic diseases. Identifiers: MedGen C0950123, MeSH D030342.
Joubert syndrome 23 (JBTS23). Identifiers: Orphanet 475, MedGen C4084822, MONDO:0014664, OMIM 616490.
Short-rib thoracic dysplasia 14 with polydactyly (SRTD14). Identifiers: Orphanet 397715, MedGen C4225286, MONDO:0014688, OMIM 616546.

Allele frequency attached by ClinVar (database versions not stated): gnomAD exomes 0.00002 and 0.00008; gnomAD 0.00003 and 0.00004; TOPMed 0.00003; ExAC 0.00005; ESP Exome Variant Server 0.00017.
gnomAD v4.1: 119 of 1,609,478 alleles (0.0074%); highest among the groups gnomAD compares: Non-Finnish European, 0.0099%; no homozygotes.

Submissions (2):

Ambry Genetics
Classification: Uncertain significance for Inborn genetic diseases. Last evaluated: 2023-08-22. Review status: criteria provided, single submitter. Criteria: Ambry Variant Classification Scheme 2023. Collection method: clinical testing. Allele origin: germline.

Labcorp Genetics (formerly Invitae), Labcorp
Classification: Uncertain significance for Joubert syndrome 23; Short-rib thoracic dysplasia 14 with polydactyly. Last evaluated: 2022-03-26. Review status: criteria provided, single submitter. Criteria: Invitae Variant Classification Sherloc (09022015). Collection method: clinical testing. Allele origin: germline.
Comment: In summary, the available evidence is currently insufficient to determine the role of this variant in disease. Therefore, it has been classified as a Variant of Uncertain Significance. Algorithms developed to predict the effect of missense changes on protein structure and function are either unavailable or do not agree on the potential impact of this missense change (SIFT: "Deleterious"; PolyPhen-2: "Probably Damaging"; Align-GVGD: "Class C0"). This variant has not been reported in the literature in individuals affected with KIAA0586-related conditions. This variant is present in population databases (rs199837404, gnomAD 0.004%). This sequence change replaces valine, which is neutral and non-polar, with alanine, which is neutral and non-polar, at codon 260 of the KIAA0586 protein (p.Val260Ala).